The following is an entry in ClinVar:

NM_000548.5(TSC2):c.369_372del (p.Phe123fs)

Gene: TSC2 (TSC complex subunit 2; plus strand). Cytogenetic location: 16p13.3.
Variant type: Deletion.
Coding change: c.369_372del on transcript NM_000548.5 (MANE Select); coding-DNA positions 369 to 372, 4 bases deleted (CTTT; older notation c.369_372delCTTT).
Protein change: p.Phe123fs; shifts the reading frame from phenylalanine 123.
Molecular consequence: frameshift variant. On other transcripts: 5 prime UTR variant (14), non-coding transcript variant (5), intron variant (6).
Genome position (GRCh38, 1-based): chr16:2,054,328-2,054,331, CTTT deleted; deleting any 4 consecutive bases within chr16:2,054,326-2,054,331 gives the same sequence; the c. name uses the placement nearest the transcript's 3' end. VCF-style (leftmost placement, unchanged base first): chr16-2054325-CTTCT-C. GRCh37 (hg19) VCF-style: chr16-2104326-CTTCT-C.
Other names: c.369_372del, p.Phe123fs (NM_001077183.3, NM_001114382.3, NM_001363528.2 and 8 more transcripts); c.258_261del, p.Phe86fs (NM_001318827.2, NM_001406678.1, NM_001406670.1); c.222_225del, p.Phe74fs (NM_001318829.2, NM_001406679.1, NM_001406675.1 and 1 more transcripts); c.402_405del, p.Phe134fs (NM_001318832.2); c.312_315del, p.Phe104fs (NM_001406677.1); c.-448_-445del (NM_001406680.1, NM_001406683.1, NM_001406687.1); c.-77_-74del (NM_001406681.1); c.-1063_-1060del (NM_001406689.1, NM_001406690.1, NM_001406691.1 and 2 more transcripts); and 6 more; short protein forms F86fs, F104fs, F134fs, F153fs, F123fs, F74fs.
Identifiers: ClinVar variation 4736494 (VCV004736494.1).

ClinVar aggregate classification (germline): Pathogenic (1 of 4 stars; one submission).

Conditions:
Tuberous sclerosis 2 (TSC2). Identifiers: Orphanet 805, MedGen C1860707, MONDO:0013199, OMIM 613254.

Submission:

Labcorp Genetics (formerly Invitae), Labcorp
Classification: Pathogenic for Tuberous sclerosis 2. Last evaluated: 2026-01-31. Review status: criteria provided, single submitter. Criteria: Invitae Variant Classification Sherloc (09022015). Collection method: clinical testing. Allele origin: germline.
Comment: This sequence change creates a premature translational stop signal (p.Phe123Leufs*58) in the TSC2 gene. It is expected to result in an absent or disrupted protein product. Loss-of-function variants in TSC2 are known to be pathogenic (PMID: 10205261, 17304050). This variant is not present in population databases (gnomAD no frequency). This variant has not been reported in the literature in individuals affected with TSC2-related conditions. For these reasons, this variant has been classified as Pathogenic.

Literature cited by the submitters: PubMed 10205261; PubMed 17304050.